The following is an entry in ClinVar:

NM_001130144.3(LTBP3):c.175C>G (p.Arg59Gly)

Gene: LTBP3 (latent transforming growth factor beta binding protein 3; minus strand). Cytogenetic location: 11q13.1.
Variant type: single nucleotide variant.
Coding change: c.175C>G on transcript NM_001130144.3 (MANE Select); coding-DNA position 175, C replaced by G.
Protein change: p.Arg59Gly; replaces arginine 59 with glycine.
Molecular consequence: missense variant. On other transcripts: 5 prime UTR variant (1).
Genome position (GRCh38, 1-based): chr11:65,557,785, G>C on the plus strand (C>G on the coding strand, the complement: LTBP3 is on the minus strand). VCF-style: chr11-65557785-G-C. GRCh37 (hg19) VCF-style: chr11-65325256-G-C.
Other names: c.-173C>G (NM_001164266.1); c.175C>G, p.Arg59Gly (NM_021070.4); short protein forms R59G.
Identifiers: ClinVar variation 4762844 (VCV004762844.1).

ClinVar aggregate classification (germline): Uncertain significance (1 of 4 stars; one submission).

Conditions:
Brachyolmia-amelogenesis imperfecta syndrome. Also called: PLATYSPONDYLY WITH AMELOGENESIS IMPERFECTA; Tooth agenesis, selective, 6; Dental anomalies and short stature. Identifiers: Orphanet 2899, MedGen C1832594, MONDO:0011018, OMIM 601216. Disease mechanism: loss of function.

Submission:

Labcorp Genetics (formerly Invitae), Labcorp
Classification: Uncertain significance for Brachyolmia-amelogenesis imperfecta syndrome. Last evaluated: 2025-08-11. Review status: criteria provided, single submitter. Criteria: Invitae Variant Classification Sherloc (09022015). Collection method: clinical testing. Allele origin: germline.
Comment: This sequence change replaces arginine, which is basic and polar, with glycine, which is neutral and non-polar, at codon 59 of the LTBP3 protein (p.Arg59Gly). This variant is not present in population databases (gnomAD no frequency). This variant has not been reported in the literature in individuals affected with LTBP3-related conditions. Experimental studies and prediction algorithms are not available or were not evaluated, and the functional significance of this variant is currently unknown. In summary, the available evidence is currently insufficient to determine the role of this variant in disease. Therefore, it has been classified as a Variant of Uncertain Significance.